The following is an entry in ClinVar:

NM_017999.5(RNF31):c.2969C>T (p.Thr990Ile)

Gene: RNF31 (ring finger protein 31; plus strand). Cytogenetic location: 14q12.
Variant type: single nucleotide variant.
Coding change: c.2969C>T on transcript NM_017999.5 (MANE Select); coding-DNA position 2969, C replaced by T.
Protein change: p.Thr990Ile; replaces threonine 990 with isoleucine.
Molecular consequence: missense variant.
Genome position (GRCh38, 1-based): chr14:24,159,933, C>T. VCF-style: chr14-24159933-C-T. GRCh37 (hg19) VCF-style: chr14-24629142-C-T.
Other names: c.2969C>T (NM_017999.4); c.2516C>T, p.Thr839Ile (NM_001310332.2); short protein forms T839I, T990I.
Identifiers: ClinVar variation 1063877 (VCV001063877.8), dbSNP rs1268999057, ClinGen allele CA389194875.

ClinVar aggregate classification (germline): Uncertain significance. Review status: criteria provided, multiple submitters, no conflicts (2 of 4 stars). 2 submissions from 2 submitters: Uncertain significance (2). Last evaluated 2025-05-28.

Allele frequency attached by ClinVar (database versions not stated): gnomAD 0.00001; TOPMed 0.00002.
gnomAD v4.1: 2 of 1,613,894 alleles (0.00012%); highest among the groups gnomAD compares: Admixed American, 0.0033%; no homozygotes.

Submissions (2):

Ambry Genetics
Classification: Uncertain significance. Last evaluated: 2025-05-28. Review status: criteria provided, single submitter. Criteria: Ambry Variant Classification Scheme 2023. Collection method: clinical testing. Allele origin: germline.

Labcorp Genetics (formerly Invitae), Labcorp
Classification: Uncertain significance. Last evaluated: 2023-08-30. Review status: criteria provided, single submitter. Criteria: Invitae Variant Classification Sherloc (09022015). Collection method: clinical testing. Allele origin: germline.
Comment: This variant is present in population databases (no rsID available, gnomAD 0.1%). In summary, the available evidence is currently insufficient to determine the role of this variant in disease. Therefore, it has been classified as a Variant of Uncertain Significance. An algorithm developed to predict the effect of missense changes on protein structure and function (PolyPhen-2) suggests that this variant is likely to be tolerated. ClinVar contains an entry for this variant (Variation ID: 1063877). This variant has not been reported in the literature in individuals affected with RNF31-related conditions. This sequence change replaces threonine, which is neutral and polar, with isoleucine, which is neutral and non-polar, at codon 990 of the RNF31 protein (p.Thr990Ile).